The following is an entry in ClinVar:

NM_001197104.2(KMT2A):c.7346T>C (p.Phe2449Ser)

Gene: KMT2A (lysine methyltransferase 2A; plus strand). Cytogenetic location: 11q23.3.
Variant type: single nucleotide variant.
Coding change: c.7346T>C on transcript NM_001197104.2 (MANE Select); coding-DNA position 7346, T replaced by C.
Protein change: p.Phe2449Ser; replaces phenylalanine 2449 with serine.
Molecular consequence: missense variant.
Genome position (GRCh38, 1-based): chr11:118,503,238, T>C. VCF-style: chr11-118503238-T-C. GRCh37 (hg19) VCF-style: chr11-118373953-T-C.
Other names: c.7436T>C, p.Phe2479Ser (NM_001412597.1); c.7337T>C, p.Phe2446Ser (NM_005933.4); short protein forms F2446S, F2449S, F2479S.
Identifiers: ClinVar variation 1714682 (VCV001714682.5), dbSNP rs782711965, ClinGen allele CA6304392.
Genomic context (GRCh38, chr11:118,503,238, plus strand): 5'-GACAGAAAGGGAAAAAATCCTGTAAAGAAACTTTCAAAGAAAAGCATTCCAGTAAATCTT[T>C]TTTGGAACCTGGTCAGGTGACAACTGGTGAGGAAGGAAACTTGAAGCCAGAGTTTATGGA-3'
Protein context (NP_001184033.1, residues 2439-2459): TFKEKHSSKS[Phe2449Ser]LEPGQVTTGE

ClinVar aggregate classification (germline): Uncertain significance (1 of 4 stars; one submission).

Allele frequency attached by ClinVar (database versions not stated): gnomAD exomes below 0.00001; ExAC 0.00001.
gnomAD v4.1: 1 of 1,614,094 alleles (0.000062%); highest among the groups gnomAD compares: Non-Finnish European, 0.000085%; no homozygotes.

Submission:

Labcorp Genetics (formerly Invitae), Labcorp
Classification: Uncertain significance. Last evaluated: 2025-05-05. Review status: criteria provided, single submitter. Criteria: Invitae Variant Classification Sherloc (09022015). Collection method: clinical testing. Allele origin: germline.
Comment: This sequence change replaces phenylalanine, which is neutral and non-polar, with serine, which is neutral and polar, at codon 2449 of the KMT2A protein (p.Phe2449Ser). This variant is present in population databases (rs782711965, gnomAD 0.0009%). This variant has not been reported in the literature in individuals affected with KMT2A-related conditions. ClinVar contains an entry for this variant (Variation ID: 1714682). Invitae Evidence Modeling of protein sequence and biophysical properties (such as structural, functional, and spatial information, amino acid conservation, physicochemical variation, residue mobility, and thermodynamic stability) indicates that this missense variant is not expected to disrupt KMT2A protein function with a negative predictive value of 95%. In summary, the available evidence is currently insufficient to determine the role of this variant in disease. Therefore, it has been classified as a Variant of Uncertain Significance.